The following is an entry in ClinVar:

NM_012418.4(FSCN2):c.313G>A (p.Glu105Lys)

Gene: FSCN2 (fascin actin-bundling protein 2, retinal; plus strand). Cytogenetic location: 17q25.3.
Variant type: single nucleotide variant.
Coding change: c.313G>A on transcript NM_012418.4 (MANE Select); coding-DNA position 313, G replaced by A.
Protein change: p.Glu105Lys; replaces glutamic acid 105 with lysine.
Molecular consequence: missense variant.
Genome position (GRCh38, 1-based): chr17:81,528,844, G>A. VCF-style: chr17-81528844-G-A. GRCh37 (hg19) VCF-style: chr17-79495870-G-A.
Other names: c.313G>A (NM_001077182.2); c.313G>A, p.Glu105Lys (NM_001077182.3); short protein forms E105K.
Identifiers: ClinVar variation 1000956 (VCV001000956.9), dbSNP rs782670303, ClinGen allele CA8836641.

ClinVar aggregate classification (germline): Uncertain significance. Review status: criteria provided, multiple submitters, no conflicts (2 of 4 stars). 2 submissions from 2 submitters: Uncertain significance (2). Last evaluated 2024-09-19.

Allele frequency attached by ClinVar (database versions not stated): TOPMed 0.00001; gnomAD 0.00002; gnomAD exomes 0.00002; ExAC 0.00006.
gnomAD v4.1: 29 of 1,554,984 alleles (0.0019%); highest among the groups gnomAD compares: Middle Eastern, 0.071%; no homozygotes.

Submissions (2):

Labcorp Genetics (formerly Invitae), Labcorp
Classification: Uncertain significance. Last evaluated: 2024-09-19. Review status: criteria provided, single submitter. Criteria: Invitae Variant Classification Sherloc (09022015). Collection method: clinical testing. Allele origin: germline.
Comment: This sequence change replaces glutamic acid, which is acidic and polar, with lysine, which is basic and polar, at codon 105 of the FSCN2 protein (p.Glu105Lys). This variant is present in population databases (rs782670303, gnomAD 0.004%). This variant has not been reported in the literature in individuals affected with FSCN2-related conditions. ClinVar contains an entry for this variant (Variation ID: 1000956). An algorithm developed to predict the effect of missense changes on protein structure and function (PolyPhen-2) suggests that this variant is likely to be disruptive. In summary, the available evidence is currently insufficient to determine the role of this variant in disease. Therefore, it has been classified as a Variant of Uncertain Significance.

Ambry Genetics
Classification: Uncertain significance. Last evaluated: 2022-10-05. Review status: criteria provided, single submitter. Criteria: Ambry Variant Classification Scheme 2023. Collection method: clinical testing. Allele origin: germline.